The following is an entry in ClinVar:

ClinVar aggregate classification (germline): Likely benign (1 of 4 stars; one submission).

gnomAD v4.1: 35 of 1,451,526 alleles (0.0024%); highest among the groups gnomAD compares: Non-Finnish European, 0.0027%; no homozygotes.

Submission:

CeGaT Center for Human Genetics Tuebingen
Classification: Likely benign. Last evaluated: 2026-04-01. Review status: criteria provided, single submitter. Criteria: CeGaT Center For Human Genetics Tuebingen Variant Classification Criteria Version 2. Collection method: clinical testing. Allele origin: germline. Affected: yes. Observed: 1 variant allele.
Comment: RALGAPA1: BP4, BP7

NM_001346249.2(RALGAPA1):c.3643C>T (p.Leu1215=)

Gene: RALGAPA1 (Ral GTPase activating protein catalytic subunit alpha 1; minus strand). Cytogenetic location: 14q13.2.
Variant type: single nucleotide variant.
Coding change: c.3643C>T on transcript NM_001346249.2 (MANE Select); coding-DNA position 3643, C replaced by T.
Protein change: p.Leu1215=; no amino-acid change (leucine 1215 retained).
Molecular consequence: synonymous variant. On other transcripts: intron variant (8).
Genome position (GRCh38, 1-based): chr14:35,688,768, G>A on the plus strand (C>T on the coding strand, the complement: RALGAPA1 is on the minus strand). VCF-style: chr14-35688768-G-A. GRCh37 (hg19) VCF-style: chr14-36157974-G-A.
Other names: c.3502C>T, p.Leu1168= (NM_001330075.3, NM_001346248.2); c.2434+1068C>T (NM_194301.4, NM_001346246.2, NM_014990.3 and 1 more transcripts); c.2435-228C>T (NM_001283043.3); c.2575+1068C>T (NM_001346247.2, NM_001283044.3, NM_001346245.2).
Identifiers: ClinVar variation 4873804 (VCV004873804.2).